The following is an entry in ClinVar:

NM_000016.6(ACADM):c.56A>G (p.His19Arg)

Gene: ACADM (acyl-CoA dehydrogenase medium chain; plus strand). Cytogenetic location: 1p31.1.
Variant type: single nucleotide variant.
Coding change: c.56A>G on transcript NM_000016.6 (MANE Select); coding-DNA position 56, A replaced by G.
Protein change: p.His19Arg; replaces histidine 19 with arginine.
Molecular consequence: missense variant. On other transcripts: intron variant (2).
Genome position (GRCh38, 1-based): chr1:75,728,426, A>G. VCF-style: chr1-75728426-A-G. GRCh37 (hg19) VCF-style: chr1-76194111-A-G.
Other names: c.68A>G, p.His23Arg (NM_001127328.3); c.56A>G, p.His19Arg (NM_001286043.2); c.10+3609A>G (NM_001286042.2); c.-268+3609A>G (NM_001286044.2); short protein forms H19R, H23R.
Identifiers: ClinVar variation 1391546 (VCV001391546.5), dbSNP rs1446893994, ClinGen allele CA340807036.
Genomic context (GRCh38, chr1:75,728,426, plus strand): 5'-TATCAAATTTATTTTAATAAAAGTGTTCTTTACAGGTCCTGAGAAGTATTTCTCGTTTTC[A>G]TTGGAGATCACAGCATACAAAAGCCAATCGACAACGTGAACCAGGATTAGGATTTAGTTT-3'
Protein context (NP_000007.1, residues 9-29): CRVLRSISRF[His19Arg]WRSQHTKANR

ClinVar aggregate classification (germline): Uncertain significance (1 of 4 stars; one submission).

Conditions:
Medium-chain acyl-coenzyme A dehydrogenase deficiency (ACADMD). Also called: Medium chain acyl-CoA dehydrogenase deficiency; MCADH DEFICIENCY; ACADM DEFICIENCY; CARNITINE DEFICIENCY SECONDARY TO MEDIUM-CHAIN ACYL-CoA DEHYDROGENASE DEFICIENCY; MCAD Deficiency; MCADD. Identifiers: Orphanet 42, MedGen C0220710, MONDO:0008721, OMIM 201450.

Allele frequency attached by ClinVar (database versions not stated): gnomAD 0.00001; gnomAD exomes 0.00001.
gnomAD v4.1: 13 of 1,613,332 alleles (0.00081%); highest among the groups gnomAD compares: Non-Finnish European, 0.0011%; no homozygotes.

Submission:

Labcorp Genetics (formerly Invitae), Labcorp
Classification: Uncertain significance for Medium-chain acyl-coenzyme A dehydrogenase deficiency. Last evaluated: 2021-09-24. Review status: criteria provided, single submitter. Criteria: Invitae Variant Classification Sherloc (09022015). Collection method: clinical testing. Allele origin: germline.
Comment: This sequence change replaces histidine with arginine at codon 19 of the ACADM protein (p.His19Arg). The histidine residue is weakly conserved and there is a small physicochemical difference between histidine and arginine. This variant is not present in population databases (ExAC no frequency). This variant has not been reported in the literature in individuals with ACADM-related conditions. Algorithms developed to predict the effect of missense changes on protein structure and function (SIFT, PolyPhen-2, Align-GVGD) all suggest that this variant is likely to be tolerated, but these predictions have not been confirmed by published functional studies and their clinical significance is uncertain. In summary, the available evidence is currently insufficient to determine the role of this variant in disease. Therefore, it has been classified as a Variant of Uncertain Significance.